The following is an entry in ClinVar:

ClinVar aggregate classification (germline): Uncertain significance (1 of 4 stars; one submission).

Submission:

GeneDx
Classification: Uncertain significance. Last evaluated: 2026-10-15. Review status: criteria provided, single submitter. Criteria: GeneDx Variant Classification Process June 2021. Collection method: clinical testing. Allele origin: germline.
Comment: Not observed at significant frequency in large population cohorts (gnomAD); Canonical splice site variant in a gene for which loss-of-function is a known mechanism of disease; however, a downstream in-frame Methionine residue could serve as an alternate initiator codon which, if utilized, may result in a functional protein; Has not been previously published as pathogenic or benign to our knowledge.

NM_003079.5(SMARCE1):c.7+1G>A

Gene: SMARCE1 (SWI/SNF related BAF chromatin remodeling complex subunit E1; minus strand). Cytogenetic location: 17q21.2.
Variant type: single nucleotide variant.
Coding change: c.7+1G>A on transcript NM_003079.5 (MANE Select); the canonical splice donor site of the intron after coding-DNA position 7, G replaced by A.
Molecular consequence: splice donor variant.
Genome position (GRCh38, 1-based): chr17:40,645,795, C>T on the plus strand (G>A on the coding strand, the complement: SMARCE1 is on the minus strand). VCF-style: chr17-40645795-C-T. GRCh37 (hg19) VCF-style: chr17-38802047-C-T.
Identifiers: ClinVar variation 3361258 (VCV003361258.2).